The following is an entry in ClinVar:

ClinVar aggregate classification (germline): Likely benign. Review status: criteria provided, single submitter (1 of 4 stars). 2 submissions from 2 submitters: Likely benign (1). 1 of the submissions does not count toward it. Last evaluated 2024-12-31.

Conditions:
Ulnar-mammary syndrome (UMS). Also called: PALLISTER ULNAR-MAMMARY SYNDROME; Ulnar-mammary syndrome of Pallister; SCHINZEL SYNDROME. Identifiers: Orphanet 3138, MedGen C1866994, MONDO:0008411, OMIM 181450.
TBX3-related disorder. Also called: TBX3-related condition.

Allele frequency attached by ClinVar (database versions not stated): TOPMed below 0.00001; gnomAD 0.00001; gnomAD exomes 0.00001.
gnomAD v4.1: 10 of 1,588,252 alleles (0.00063%); highest among the groups gnomAD compares: African/African-American, 0.0013%; no homozygotes.

Submissions (2):

Labcorp Genetics (formerly Invitae), Labcorp
Classification: Likely benign for Ulnar-mammary syndrome. Last evaluated: 2024-12-31. Review status: criteria provided, single submitter. Criteria: Invitae Variant Classification Sherloc (09022015). Collection method: clinical testing. Allele origin: germline.

PreventionGenetics, part of Exact Sciences
Classification: Likely benign for TBX3-related condition. Last evaluated: 2022-06-30. Review status: no assertion criteria provided. Collection method: clinical testing. Allele origin: germline. Not counted in ClinVar's aggregate classification.
Comment: This variant is classified as likely benign based on ACMG/AMP sequence variant interpretation guidelines (Richards et al. 2015 PMID: 25741868, with internal and published modifications).

NM_005996.4(TBX3):c.2088G>A (p.Ala696=)

Gene: TBX3 (T-box transcription factor 3; minus strand). Cytogenetic location: 12q24.21.
Variant type: single nucleotide variant.
Coding change: c.2088G>A on transcript NM_005996.4 (MANE Select); coding-DNA position 2088, G replaced by A.
Protein change: p.Ala696=; no amino-acid change (alanine 696 retained).
Molecular consequence: synonymous variant.
Genome position (GRCh38, 1-based): chr12:114,671,925, C>T on the plus strand (G>A on the coding strand, the complement: TBX3 is on the minus strand). VCF-style: chr12-114671925-C-T. GRCh37 (hg19) VCF-style: chr12-115109730-C-T.
Other names: c.2148G>A (NM_016569.3); c.2148G>A, p.Ala716= (NM_016569.4).
Identifiers: ClinVar variation 2193329 (VCV002193329.5), dbSNP rs965462879, ClinGen allele CA244141367.